The following is an entry in ClinVar:

NM_024747.6(HPS6):c.1096G>A (p.Glu366Lys)

Gene: HPS6 (HPS6 biogenesis of lysosomal organelles complex 2 subunit 3; plus strand). Cytogenetic location: 10q24.32.
Variant type: single nucleotide variant.
Coding change: c.1096G>A on transcript NM_024747.6 (MANE Select); coding-DNA position 1096, G replaced by A.
Protein change: p.Glu366Lys; replaces glutamic acid 366 with lysine.
Molecular consequence: missense variant.
Genome position (GRCh38, 1-based): chr10:102,066,570, G>A. VCF-style: chr10-102066570-G-A. GRCh37 (hg19) VCF-style: chr10-103826327-G-A.
Other names: short protein forms E366K.
Identifiers: ClinVar variation 1469012 (VCV001469012.5), dbSNP rs2067972145, ClinGen allele CA377864418.

ClinVar aggregate classification (germline): Uncertain significance (1 of 4 stars; one submission).

Allele frequency attached by ClinVar (database versions not stated): TOPMed 0.00002.

Submission:

Labcorp Genetics (formerly Invitae), Labcorp
Classification: Uncertain significance. Last evaluated: 2022-06-09. Review status: criteria provided, single submitter. Criteria: Invitae Variant Classification Sherloc (09022015). Collection method: clinical testing. Allele origin: germline.
Comment: This sequence change replaces glutamic acid, which is acidic and polar, with lysine, which is basic and polar, at codon 366 of the HPS6 protein (p.Glu366Lys). This variant is not present in population databases (gnomAD no frequency). This variant has not been reported in the literature in individuals affected with HPS6-related conditions. Algorithms developed to predict the effect of missense changes on protein structure and function output the following: SIFT: "Deleterious"; PolyPhen-2: "Benign"; Align-GVGD: "Class C0". The lysine amino acid residue is found in multiple mammalian species, which suggests that this missense change does not adversely affect protein function. In summary, the available evidence is currently insufficient to determine the role of this variant in disease. Therefore, it has been classified as a Variant of Uncertain Significance.